The following is an entry in ClinVar:

NM_001267550.2(TTN):c.105160C>T (p.Pro35054Ser)

Genes: TTN-AS1 (TTN antisense RNA 1; plus strand), TTN (titin; minus strand), LOC129935185 (ATAC-STARR-seq lymphoblastoid active region 16810; plus strand). Cytogenetic location: 2q31.2.
Variant type: single nucleotide variant.
Coding change: c.105160C>T on transcript NM_001267550.2 (MANE Select); coding-DNA position 105160, C replaced by T.
Protein change: p.Pro35054Ser; replaces proline 35054 with serine.
Molecular consequence: missense variant.
Genome position (GRCh38, 1-based): chr2:178,531,455, G>A on the plus strand (C>T on the coding strand, the complement: TTN is on the minus strand). VCF-style: chr2-178531455-G-A. GRCh37 (hg19) VCF-style: chr2-179396182-G-A.
Other names: c.97456C>T, p.Pro32486Ser (NM_133378.4); c.78340C>T, p.Pro26114Ser (NM_133432.3); c.78541C>T, p.Pro26181Ser (NM_133437.4); c.100237C>T, p.Pro33413Ser (NM_001256850.1); c.77965C>T, p.Pro25989Ser (NM_003319.4); short protein forms P25989S, P26114S, P26181S, P32486S, P33413S, P35054S.
Identifiers: ClinVar variation 3749681 (VCV003749681.2).

ClinVar aggregate classification (germline): Uncertain significance (1 of 4 stars; one submission).

Conditions:
Dilated cardiomyopathy 1G (CMD1G). Identifiers: Orphanet 154, MedGen C1858763, MONDO:0011400, OMIM 604145.
Autosomal recessive limb-girdle muscular dystrophy type 2J (LGMDR10). Also called: Limb-girdle muscular dystrophy, type 2J; MUSCULAR DYSTROPHY, LIMB-GIRDLE, AUTOSOMAL RECESSIVE 10. Identifiers: Orphanet 140922, MedGen C1837342, MONDO:0012127, OMIM 608807.

gnomAD v4.1: 3 of 1,613,720 alleles (0.00019%); highest among the groups gnomAD compares: Non-Finnish European, 0.00025%; no homozygotes.

Submission:

Labcorp Genetics (formerly Invitae), Labcorp
Classification: Uncertain significance for Dilated cardiomyopathy 1G; Autosomal recessive limb-girdle muscular dystrophy type 2J. Last evaluated: 2024-07-16. Review status: criteria provided, single submitter. Criteria: Invitae Variant Classification Sherloc (09022015). Collection method: clinical testing. Allele origin: germline.
Comment: This sequence change replaces proline, which is neutral and non-polar, with serine, which is neutral and polar, at codon 35054 of the TTN protein (p.Pro35054Ser). This variant is present in population databases (no rsID available, gnomAD 0.007%). This variant has not been reported in the literature in individuals affected with TTN-related conditions. Experimental studies and prediction algorithms are not available or were not evaluated, and the functional significance of this variant is currently unknown. This variant is located in the M band of TTN (PMID: 25589632). Non-truncating variants in this region may be relevant for neuromuscular disorders, but have not been definitively shown to cause cardiomyopathy (PMID: 23975875). In summary, the available evidence is currently insufficient to determine the role of this variant in disease. Therefore, it has been classified as a Variant of Uncertain Significance.

Literature cited by the submitters: PubMed 25589632; PubMed 23975875.